The following is an entry in ClinVar:

NM_001079.4(ZAP70):c.1748G>A (p.Arg583His)

Gene: ZAP70 (zeta chain of T cell receptor associated protein kinase 70; plus strand). Cytogenetic location: 2q11.2.
Variant type: single nucleotide variant.
Coding change: c.1748G>A on transcript NM_001079.4 (MANE Select); coding-DNA position 1748, G replaced by A.
Protein change: p.Arg583His; replaces arginine 583 with histidine.
Molecular consequence: missense variant.
Genome position (GRCh38, 1-based): chr2:97,739,386, G>A. VCF-style: chr2-97739386-G-A. GRCh37 (hg19) VCF-style: chr2-98355849-G-A.
Other names: c.1748G>A, p.Arg583His (NM_001378594.1); c.827G>A, p.Arg276His (NM_207519.2); short protein forms R583H, R276H.
Identifiers: ClinVar variation 418550 (VCV000418550.3), dbSNP rs1017182331, ClinGen allele CA16617776.

ClinVar aggregate classification (germline): Conflicting classifications of pathogenicity. Review status: criteria provided, conflicting classifications (1 of 4 stars). 2 submissions from 2 submitters: Likely pathogenic (1); Uncertain significance (1). Last evaluated 2023-06-19.

Allele frequency attached by ClinVar (database versions not stated): gnomAD exomes below 0.00001.
gnomAD v4.1: 2 of 1,613,454 alleles (0.00012%); highest among the groups gnomAD compares: Non-Finnish European, 0.00017%; no homozygotes.

Submissions (2):

Women's Health and Genetics/Laboratory Corporation of America, LabCorp
Classification: Uncertain significance. Last evaluated: 2023-06-19. Review status: criteria provided, single submitter. Criteria: LabCorp Variant Classification Summary - May 2015. Collection method: clinical testing. Allele origin: germline.
Comment: Variant summary: ZAP70 c.1748G>A (p.Arg583His) results in a non-conservative amino acid change located in the protein kinase domain (IPR000719) of the encoded protein sequence. Five of five in-silico tools predict a damaging effect of the variant on protein function. The variant was absent in 247610 control chromosomes (gnomAD). The available data on variant occurrences in the general population are insufficient to allow any conclusion about variant significance. To our knowledge, no occurrence of c.1748G>A in individuals affected with Severe Combined Immunodeficiency and no experimental evidence demonstrating its impact on protein function have been reported. No submitters have provided clinical-significance assessments for this variant to ClinVar after 2014. Based on the evidence outlined above, the variant was classified as uncertain significance.

GeneDx
Classification: Likely pathogenic. Last evaluated: 2014-09-24. Review status: criteria provided, single submitter. Criteria: GeneDx Variant Classification (06012015). Collection method: clinical testing. Allele origin: germline. Affected: yes.
Comment: The R583H variant has not been published as a pathogenic variant, nor has it been reported as a benign polymorphism to our knowledge. The R583H variant was not observed in approximately 6,500 individuals of European and African American ancestry in an external variant database, indicating it is not a common benign variant in these populations. The R583H variant is a conservative amino acid substitution, which is not likely to impact secondary protein structure as these residues share similar properties. However, in silico analyses predict this variant is probably damaging to the protein structure/function. This substitution also occurs at a position within the protein kinase domain that is conserved across species. Therefore, this variant is a strong candidate for a pathogenic variant, however the possibility that it is a benign variant cannot be excluded.